The following is an entry in ClinVar:

NM_025137.4(SPG11):c.2075T>C (p.Ile692Thr)

Gene: SPG11 (SPG11 vesicle trafficking associated, spatacsin; minus strand). Cytogenetic location: 15q21.1.
Variant type: single nucleotide variant.
Coding change: c.2075T>C on transcript NM_025137.4 (MANE Select); coding-DNA position 2075, T replaced by C.
Protein change: p.Ile692Thr; replaces isoleucine 692 with threonine.
Molecular consequence: missense variant.
Genome position (GRCh38, 1-based): chr15:44,626,500, A>G on the plus strand (T>C on the coding strand, the complement: SPG11 is on the minus strand). VCF-style: chr15-44626500-A-G. GRCh37 (hg19) VCF-style: chr15-44918698-A-G.
Other names: p.Ile692Thr; c.2075T>C, p.Ile692Thr (NM_001160227.2); short protein forms I692T.
Identifiers: ClinVar variation 425067 (VCV000425067.55), dbSNP rs144012151, ClinGen allele CA7535347.

ClinVar aggregate classification (germline): Uncertain significance. Review status: criteria provided, multiple submitters, no conflicts (2 of 4 stars). 10 submissions from 8 submitters: Uncertain significance (10). Last evaluated 2024-03-21.

Conditions:
Inborn genetic diseases. Identifiers: MedGen C0950123, MeSH D030342.
Amyotrophic lateral sclerosis type 5 (ALS5). Also called: AMYOTROPHIC LATERAL SCLEROSIS 5, JUVENILE. Identifiers: Orphanet 300605, MedGen C1865864, MONDO:0011196, OMIM 602099.
Charcot-Marie-Tooth disease axonal type 2X. Also called: CHARCOT-MARIE-TOOTH DISEASE, AXONAL, AUTOSOMAL RECESSIVE, TYPE 2X; CHARCOT-MARIE-TOOTH NEUROPATHY, TYPE 2X. Identifiers: Orphanet 466775, MedGen C5569024, MONDO:0014726, OMIM 616668.
Hereditary spastic paraplegia 11. Also called: Nakamura Osame syndrome; Autosomal recessive hereditary spastic paraplegia, mental impairment, and thin corpus callosum; SPASTIC PARAPLEGIA, AUTOSOMAL RECESSIVE, COMPLICATED, WITH THIN CORPUS CALLOSUM; SPASTIC PARAPLEGIA, AUTOSOMAL RECESSIVE, WITH MENTAL IMPAIRMENT AND THIN CORPUS CALLOSUM; Spastic paraplegia, mental retardation and thin corpus callosum; Spastic Paraplegia 11. Identifiers: Orphanet 2822, MedGen C1858479, MONDO:0011445, OMIM 604360.

Allele frequency attached by ClinVar (database versions not stated): ExAC 0.00008; TOPMed 0.00011; gnomAD 0.00012 and 0.00013; gnomAD exomes 0.00012 and 0.00021; ESP Exome Variant Server 0.00023.
gnomAD v4.1: 315 of 1,613,578 alleles (0.02%); highest among the groups gnomAD compares: Non-Finnish European, 0.026%; no homozygotes.

Submissions (10):

Blueprint Genetics
Classification: Uncertain significance. Last evaluated: 2024-03-21. Review status: criteria provided, single submitter. Criteria: ACMG Guidelines, 2015. Collection method: clinical testing. Allele origin: germline.

Mayo Clinic Laboratories, Mayo Clinic
Classification: Uncertain significance. Last evaluated: 2024-03-15. Review status: criteria provided, single submitter. Criteria: ACMG Guidelines, 2015. Collection method: clinical testing. Allele origin: germline. Observed: 2 variant alleles.

CeGaT Center for Human Genetics Tuebingen
Classification: Uncertain significance. Last evaluated: 2024-02-01. Review status: criteria provided, single submitter. Criteria: CeGaT Center For Human Genetics Tuebingen Variant Classification Criteria Version 2. Collection method: clinical testing. Allele origin: germline. Affected: yes. Observed: 3 variant alleles.
Comment: SPG11: PM2

Labcorp Genetics (formerly Invitae), Labcorp
Classification: Uncertain significance for Hereditary spastic paraplegia 11. Last evaluated: 2022-07-19. Review status: criteria provided, single submitter. Criteria: Invitae Variant Classification Sherloc (09022015). Collection method: clinical testing. Allele origin: germline.
Comment: This sequence change replaces isoleucine, which is neutral and non-polar, with threonine, which is neutral and polar, at codon 692 of the SPG11 protein (p.Ile692Thr). This variant is present in population databases (rs144012151, gnomAD 0.02%). This variant has not been reported in the literature in individuals affected with SPG11-related conditions. ClinVar contains an entry for this variant (Variation ID: 425067). Algorithms developed to predict the effect of missense changes on protein structure and function output the following: SIFT: "Tolerated"; PolyPhen-2: "Probably Damaging"; Align-GVGD: "Class C0". The threonine amino acid residue is found in multiple mammalian species, which suggests that this missense change does not adversely affect protein function. In summary, the available evidence is currently insufficient to determine the role of this variant in disease. Therefore, it has been classified as a Variant of Uncertain Significance.

GeneDx
Classification: Uncertain significance. Last evaluated: 2022-03-11. Review status: criteria provided, single submitter. Criteria: GeneDx Variant Classification Process June 2021. Collection method: clinical testing. Allele origin: germline. Affected: yes.
Comment: In silico analysis supports that this missense variant has a deleterious effect on protein structure/function; Has not been previously published as pathogenic or benign to our knowledge; This variant is associated with the following publications: (PMID: 26556829)

Ambry Genetics
Classification: Uncertain significance for Inborn genetic diseases. Last evaluated: 2020-09-14. Review status: criteria provided, single submitter. Criteria: Ambry Variant Classification Scheme 2023. Collection method: clinical testing. Allele origin: germline.
Comment: The p.I692T variant (also known as c.2075T>C), located in coding exon 11 of the SPG11 gene, results from a T to C substitution at nucleotide position 2075. The isoleucine at codon 692 is replaced by threonine, an amino acid with similar properties. This amino acid position is well conserved in available vertebrate species. In addition, the in silico prediction for this alteration is inconclusive. Since supporting evidence is limited at this time, the clinical significance of this alteration remains unclear.

Genome-Nilou Lab
Classification: Uncertain significance for Amyotrophic lateral sclerosis type 5. Review status: criteria provided, single submitter. Criteria: ACMG Guidelines, 2015. Collection method: clinical testing. Allele origin: germline.

Genome-Nilou Lab
Classification: Uncertain significance for Charcot-Marie-Tooth disease axonal type 2X. Review status: criteria provided, single submitter. Criteria: ACMG Guidelines, 2015. Collection method: clinical testing. Allele origin: germline.

Genome-Nilou Lab
Classification: Uncertain significance for Hereditary spastic paraplegia 11. Review status: criteria provided, single submitter. Criteria: ACMG Guidelines, 2015. Collection method: clinical testing. Allele origin: germline.

Neuberg Centre For Genomic Medicine, NCGM
Classification: Uncertain significance for Hereditary spastic paraplegia 11. Review status: criteria provided, single submitter. Criteria: ACMG Guidelines, 2015. Collection method: clinical testing. Allele origin: germline. Inheritance: Autosomal recessive inheritance. Affected: yes.
Comment: The c.2075T>C (p.Ile692Thr) missense variant in SPG11 gene has not been reported previously as a pathogenic variant nor as a benign variant, to our knowledge. This variant is reported with the allele frequency (0.01%) in the gnomAD and novel in 1000 genome database. It has been submitted to ClinVar as a Variant of Uncertain Significance. The amino acid Ile at position 692 is changed to a Thr changing protein sequence and it might alter its composition and physico-chemical properties. The amino acid change p.Ile692Thr in SPG11 is predicted as conserved by GERP++ and PhyloP across 100 vertebrates. For these reasons, this variant has been classified as Variant of Uncertain Significance (VUS).